The following is an entry in ClinVar:

ClinVar aggregate classification (germline): Likely pathogenic (1 of 4 stars; one submission).

Conditions:
Autosomal recessive limb-girdle muscular dystrophy type 2J (LGMDR10). Also called: Limb-girdle muscular dystrophy, type 2J; MUSCULAR DYSTROPHY, LIMB-GIRDLE, AUTOSOMAL RECESSIVE 10. Identifiers: Orphanet 140922, MedGen C1837342, MONDO:0012127, OMIM 608807.
Dilated cardiomyopathy 1G (CMD1G). Identifiers: Orphanet 154, MedGen C1858763, MONDO:0011400, OMIM 604145.

Submission:

Labcorp Genetics (formerly Invitae), Labcorp
Classification: Likely pathogenic for Dilated cardiomyopathy 1G; Autosomal recessive limb-girdle muscular dystrophy type 2J. Last evaluated: 2024-05-21. Review status: criteria provided, single submitter. Criteria: Invitae Variant Classification Sherloc (09022015). Collection method: clinical testing. Allele origin: germline.
Comment: This sequence change creates a premature translational stop signal (p.Gln15619*) in the TTN gene. While this is not anticipated to result in nonsense mediated decay, it is expected to create a truncated TTN protein. This variant is not present in population databases (gnomAD no frequency). This variant has not been observed in the literature in individuals with autosomal recessive TTN-related conditions. This variant has been reported in individual(s) with dilated cardiomyopathy (Invitae); however, the role of the variant in this condition is currently unclear. This variant is located in the I band of TTN (PMID: 25589632). Truncating variants in this region have been reported in individuals affected with autosomal recessive centronuclear myopathy (PMID: 23975875, Invitae internal data). Truncating variants in this region have also been identified in individuals affected with autosomal dominant dilated cardiomyopathy and/or cardio-related conditions (PMID: 27869827, 32964742, Invitae internal data). In summary, the currently available evidence indicates that the variant is pathogenic, but additional data are needed to prove that conclusively. Therefore, this variant has been classified as Likely Pathogenic.

Literature cited by the submitters: PubMed 25589632; PubMed 23975875; PubMed 27869827; PubMed 32964742.

NM_001267550.2(TTN):c.46855C>T (p.Gln15619Ter)

Genes: TTN-AS1 (TTN antisense RNA 1; plus strand), TTN (titin; minus strand). Cytogenetic location: 2q31.2.
Variant type: single nucleotide variant.
Coding change: c.46855C>T on transcript NM_001267550.2 (MANE Select); coding-DNA position 46855, C replaced by T.
Protein change: p.Gln15619Ter; replaces glutamine 15619 with a stop codon.
Molecular consequence: nonsense.
Genome position (GRCh38, 1-based): chr2:178,618,695, G>A on the plus strand (C>T on the coding strand, the complement: TTN is on the minus strand). VCF-style: chr2-178618695-G-A. GRCh37 (hg19) VCF-style: chr2-179483422-G-A.
Other names: c.41932C>T, p.Gln13978Ter (NM_001256850.1); c.19660C>T, p.Gln6554Ter (NM_003319.4); c.39151C>T, p.Gln13051Ter (NM_133378.4); c.20035C>T, p.Gln6679Ter (NM_133432.3); c.20236C>T, p.Gln6746Ter (NM_133437.4); short protein forms Q13051*, Q13978*, Q15619*, Q6554*, Q6679*, Q6746*.
Identifiers: ClinVar variation 3754805 (VCV003754805.2).